The following is an entry in ClinVar:

NM_000744.7(CHRNA4):c.1407G>C (p.Gln469His)

Gene: CHRNA4 (cholinergic receptor nicotinic alpha 4 subunit; minus strand). Cytogenetic location: 20q13.33.
Variant type: single nucleotide variant.
Coding change: c.1407G>C on transcript NM_000744.7 (MANE Select); coding-DNA position 1407, G replaced by C.
Protein change: p.Gln469His; replaces glutamine 469 with histidine.
Molecular consequence: missense variant. On other transcripts: non-coding transcript variant (1).
Genome position (GRCh38, 1-based): chr20:63,350,004, C>G on the plus strand (G>C on the coding strand, the complement: CHRNA4 is on the minus strand). VCF-style: chr20-63350004-C-G. GRCh37 (hg19) VCF-style: chr20-61981356-C-G.
Other names: c.879G>C, p.Gln293His (NM_001256573.2); short protein forms Q293H, Q469H.
Identifiers: ClinVar variation 4687588 (VCV004687588.1).
Genomic context (GRCh38, chr20:63,350,004, plus strand): 5'-GATGCTCCGAGACCGGCACCGGACGCCGCCTTCCACCGCTTCGCCAGGGCTGGACATGTG[C>G]TGGACGCTGAGGGACCTGGCTTTGGCCAGCCCTGGTGCCTGGGTGCCGTGGGGCGGGCGG-3'
Protein context (NP_000735.1, residues 459-479): GLAKARSLSV[Gln469His]HMSSPGEAVE

ClinVar aggregate classification (germline): Uncertain significance (1 of 4 stars; one submission).

Submission:

Women's Health and Genetics/Laboratory Corporation of America, LabCorp
Classification: Uncertain significance. Last evaluated: 2025-10-03. Review status: criteria provided, single submitter. Criteria: LabCorp Variant Classification Summary - May 2015. Collection method: clinical testing. Allele origin: germline.
Comment: Variant summary: CHRNA4 c.1407G>C (p.Gln469His) results in a non-conservative amino acid change in the encoded protein sequence. Algorithms developed to predict the effect of missense changes on protein structure and function are either unavailable or do not agree on the potential impact of this missense change. The frequency data for this variant in gnomAD is considered unreliable, as metrics indicate poor data quality at this position. To our knowledge, no occurrence of c.1407G>C in individuals affected with CHRNA4-related conditions and no experimental evidence demonstrating its impact on protein function have been reported. No submitters have cited clinical-significance assessments for this variant to ClinVar. Based on the evidence outlined above, the variant was classified as uncertain significance.